The following is an entry in ClinVar:

ClinVar aggregate classification (germline): Uncertain significance (1 of 4 stars; one submission).

Conditions:
Hereditary hemorrhagic telangiectasia (HHT). Also called: ORW DISEASE; Osler Weber Rendu syndrome; OSLER-RENDU-WEBER DISEASE; Osler hemorrhagic telangiectasia syndrome. Identifiers: Orphanet 774, MedGen C0039445, MONDO:0019180. Disease mechanism: loss of function.

Submission:

Labcorp Genetics (formerly Invitae), Labcorp
Classification: Uncertain significance for Hereditary hemorrhagic telangiectasia. Last evaluated: 2025-12-23. Review status: criteria provided, single submitter. Criteria: Invitae Variant Classification Sherloc (09022015). Collection method: clinical testing. Allele origin: germline.
Comment: This sequence change replaces isoleucine, which is neutral and non-polar, with asparagine, which is neutral and polar, at codon 220 of the ENG protein (p.Ile220Asn). Information on the frequency of this variant in the gnomAD database is not available, as this variant may be reported differently in the database. This missense change has been observed in individual(s) with hereditary hemorrhagic telangiectasia (internal data). An algorithm developed to predict the effect of missense changes on protein structure and function (PolyPhen-2) suggests that this variant is likely to be disruptive. This variant disrupts the p.Ile220 amino acid residue in ENG. Other variant(s) that disrupt this residue have been determined to be pathogenic (PMID: 16752392, 17384219, 18498373). This suggests that this residue is clinically significant, and that variants that disrupt this residue are likely to be disease-causing. In summary, the available evidence is currently insufficient to determine the role of this variant in disease. Therefore, it has been classified as a Variant of Uncertain Significance.

Literature cited by the submitters: PubMed 16752392; PubMed 17384219; PubMed 18498373.

NM_001114753.3(ENG):c.659_660delinsAT (p.Ile220Asn)

Gene: ENG (endoglin; minus strand). Cytogenetic location: 9q34.11.
Variant type: Indel.
Coding change: c.659_660delinsAT on transcript NM_001114753.3 (MANE Select); coding-DNA positions 659 to 660, TC replaced by AT.
Protein change: p.Ile220Asn; replaces isoleucine 220 with asparagine.
Molecular consequence: missense variant.
Genome position (GRCh38, 1-based): chr9:127,825,724-127,825,725, GA replaced by AT on the plus strand (TC replaced by AT on the coding strand, the reverse complement: ENG is on the minus strand). VCF-style: chr9-127825724-GA-AT. GRCh37 (hg19) VCF-style: chr9-130588003-GA-AT.
Other names: c.659_660delinsAT, p.Ile220Asn (NM_000118.4, NM_001406715.1); c.113_114delinsAT, p.Ile38Asn (NM_001278138.2); short protein forms I38N, I220N.
Identifiers: ClinVar variation 4753267 (VCV004753267.1).